The following is an entry in ClinVar:

ClinVar aggregate classification (germline): Conflicting classifications of pathogenicity. Review status: criteria provided, conflicting classifications (1 of 4 stars). 3 submissions from 3 submitters: Uncertain significance (2); Likely benign (1). Last evaluated 2024-10-17.

Conditions:
Colorectal cancer, hereditary nonpolyposis, type 7. Identifiers: Orphanet 144, MedGen C1858380, MONDO:0013725, OMIM 614385.
MLH3-related disorder. Also called: MLH3-related condition.

Allele frequency attached by ClinVar (database versions not stated): gnomAD exomes 0.00003 and 0.00009; TOPMed 0.00005; gnomAD 0.00006.
gnomAD v4.1: 133 of 1,613,632 alleles (0.0082%); highest among the groups gnomAD compares: Non-Finnish European, 0.011%; no homozygotes.

Submissions (3):

Labcorp Genetics (formerly Invitae), Labcorp
Classification: Uncertain significance for Colorectal cancer, hereditary nonpolyposis, type 7. Last evaluated: 2024-10-17. Review status: criteria provided, single submitter. Criteria: Invitae Variant Classification Sherloc (09022015). Collection method: clinical testing. Allele origin: germline.
Comment: This sequence change replaces proline, which is neutral and non-polar, with serine, which is neutral and polar, at codon 551 of the MLH3 protein (p.Pro551Ser). This variant is present in population databases (no rsID available, gnomAD 0.006%). This missense change has been observed in individual(s) with endometrial cancer (PMID: 16885347). ClinVar contains an entry for this variant (Variation ID: 845466). An algorithm developed to predict the effect of missense changes on protein structure and function (PolyPhen-2) suggests that this variant is likely to be tolerated. In summary, the available evidence is currently insufficient to determine the role of this variant in disease. Therefore, it has been classified as a Variant of Uncertain Significance.

Ambry Genetics
Classification: Likely benign. Last evaluated: 2024-03-07. Review status: criteria provided, single submitter. Criteria: Ambry Variant Classification Scheme 2023. Collection method: clinical testing. Allele origin: germline.

PreventionGenetics, part of Exact Sciences
Classification: Uncertain significance for MLH3-related condition. Last evaluated: 2023-03-15. Review status: criteria provided, single submitter. Criteria: ACMG Guidelines, 2015. Collection method: clinical testing. Allele origin: germline.
Comment: The MLH3 c.1651C>T variant is predicted to result in the amino acid substitution p.Pro551Ser. This variant has been reported in an individual with endometrial cancer whose tumor had high microsatellite instability without evidence of MLH1 promoter methylation (Table 4, Taylor et al. 2006. PubMed ID: 16885347). This variant is reported in 0.0062% of alleles in individuals of European (Non-Finnish) descent in gnomAD and is interpreted as uncertain significance in ClinVar. At this time, the clinical significance of this variant is uncertain due to the absence of conclusive functional and genetic evidence.

Literature cited by the submitters: PubMed 16885347 (cited by Labcorp Genetics (formerly Invitae), Labcorp and Ambry Genetics).

NM_001040108.2(MLH3):c.1651C>T (p.Pro551Ser)

Gene: MLH3 (mutL homolog 3; minus strand). Cytogenetic location: 14q24.3.
Variant type: single nucleotide variant.
Coding change: c.1651C>T on transcript NM_001040108.2 (MANE Select); coding-DNA position 1651, C replaced by T.
Protein change: p.Pro551Ser; replaces proline 551 with serine.
Molecular consequence: missense variant.
Genome position (GRCh38, 1-based): chr14:75,048,005, G>A on the plus strand (C>T on the coding strand, the complement: MLH3 is on the minus strand). VCF-style: chr14-75048005-G-A. GRCh37 (hg19) VCF-style: chr14-75514708-G-A.
Other names: c.1651C>T, p.Pro551Ser (NM_014381.3); short protein forms P551S.
Identifiers: ClinVar variation 845466 (VCV000845466.11), dbSNP rs902755970, ClinGen allele CA263652890.
Genomic context (GRCh38, chr14:75,048,005, plus strand): 5'-ATGTTGTTGCAAAAGGCAGAGGCTGGCATCCCACTTCAGTAGCATCTTTAAATCTCTTTG[G>A]TTGATTCTGAATTCTATTATTTTTCAAGATGTTGGCAGCCATGCCATTAACAGTAGTACT-3'
Protein context (NP_001035197.1, residues 541-561): ILKNNRIQNQ[Pro551Ser]KRFKDATEVG